The following is an entry in ClinVar:

NM_206933.4(USH2A):c.9336T>A (p.Asp3112Glu)

Gene: USH2A (usherin; minus strand). Cytogenetic location: 1q41.
Variant type: single nucleotide variant.
Coding change: c.9336T>A on transcript NM_206933.4 (MANE Select); coding-DNA position 9336, T replaced by A.
Protein change: p.Asp3112Glu; replaces aspartic acid 3112 with glutamic acid.
Molecular consequence: missense variant.
Genome position (GRCh38, 1-based): chr1:215,838,026, A>T on the plus strand (T>A on the coding strand, the complement: USH2A is on the minus strand). VCF-style: chr1-215838026-A-T. GRCh37 (hg19) VCF-style: chr1-216011368-A-T.
Other names: short protein forms D3112E.
Identifiers: ClinVar variation 1990937 (VCV001990937.4), dbSNP rs2464586012, ClinGen allele CA344834872.
Genomic context (GRCh38, chr1:215,838,026, plus strand): 5'-ATTTAACTGACACAAAATTTTGTACCTTGAAGTGATGCCACGAATTGTGGGTGTTGGTAT[A>T]TCACTTGGAGTGTCTTCCACAGTGGTAATTTGGGTTCCATTGCTTTTCACGCAGGCATAT-3'
Protein context (NP_996816.3, residues 3102-3122): QITTVEDTPS[Asp3112Glu]IPTPTIRGIT

ClinVar aggregate classification (germline): Uncertain significance (1 of 4 stars; one submission).

Allele frequency attached by ClinVar (database versions not stated): gnomAD exomes below 0.00001.
gnomAD v4.1: 1 of 1,614,086 alleles (0.000062%); highest among the groups gnomAD compares: South Asian, 0.0011%; no homozygotes.

Submission:

Labcorp Genetics (formerly Invitae), Labcorp
Classification: Uncertain significance. Last evaluated: 2022-08-07. Review status: criteria provided, single submitter. Criteria: Invitae Variant Classification Sherloc (09022015). Collection method: clinical testing. Allele origin: germline.
Comment: In summary, the available evidence is currently insufficient to determine the role of this variant in disease. Therefore, it has been classified as a Variant of Uncertain Significance. Algorithms developed to predict the effect of missense changes on protein structure and function output the following: SIFT: "Tolerated"; PolyPhen-2: "Benign"; Align-GVGD: "Class C0". The glutamic acid amino acid residue is found in multiple mammalian species, which suggests that this missense change does not adversely affect protein function. This variant has not been reported in the literature in individuals affected with USH2A-related conditions. This variant is not present in population databases (gnomAD no frequency). This sequence change replaces aspartic acid, which is acidic and polar, with glutamic acid, which is acidic and polar, at codon 3112 of the USH2A protein (p.Asp3112Glu).